The following is an entry in ClinVar:

NM_021927.3(GUF1):c.1390_1394del (p.Lys465fs)

Gene: GUF1 (GTP binding elongation factor GUF1; plus strand). Cytogenetic location: 4p12.
Variant type: Deletion.
Coding change: c.1390_1394del on transcript NM_021927.3 (MANE Select); coding-DNA positions 1390 to 1394, 5 bases deleted (TCAAA; older notation c.1390_1394delTCAAA).
Protein change: p.Lys465fs; shifts the reading frame from lysine 465.
Molecular consequence: frameshift variant.
Genome position (GRCh38, 1-based): chr4:44,690,771-44,690,775, TCAAA deleted; deleting any 5 consecutive bases within chr4:44,690,768-44,690,775 gives the same sequence; the c. name uses the placement nearest the transcript's 3' end. VCF-style (leftmost placement, unchanged base first): chr4-44690767-TAAATC-T. GRCh37 (hg19) VCF-style: chr4-44692784-TAAATC-T.
Other names: c.418_422del, p.Lys141fs (NM_001345867.2, NM_001345869.2); c.1390_1394del, p.Lys465fs (NM_001345868.2); c.1390_1394delTCAAA (NM_021927.2); short protein forms K141fs, K465fs.
Identifiers: ClinVar variation 928580 (VCV000928580.8), dbSNP rs770488789, ClinGen allele CA2905633.
Genomic context (GRCh38, chr4:44,690,767, plus strand): 5'-TAATTTTTAGGAACATAGAGAAAAAGAAATTACAATTATCAATCCTGCACAATTCCCCGA[TAAATC>T]AAAAGTAACAGAATATTTGGAGCCAGTTGTTTTGGGCACTATTATCACACCAGATGAATA-3'

ClinVar aggregate classification (germline): Uncertain significance. Review status: criteria provided, multiple submitters, no conflicts (2 of 4 stars). 3 submissions from 3 submitters: Uncertain significance (3). Last evaluated 2026-01-24.

Submissions (3):

Labcorp Genetics (formerly Invitae), Labcorp
Classification: Uncertain significance. Last evaluated: 2026-01-24. Review status: criteria provided, single submitter. Criteria: Invitae Variant Classification Sherloc (09022015). Collection method: clinical testing. Allele origin: germline.
Comment: This sequence change creates a premature translational stop signal (p.Lys465Asnfs*17) in the GUF1 gene. It is expected to result in an absent or disrupted protein product. However, the current clinical and genetic evidence is not sufficient to establish whether loss-of-function variants in GUF1 cause disease. This variant is present in population databases (rs770488789, gnomAD 0.1%), and has an allele count higher than expected for a pathogenic variant. This variant has not been reported in the literature in individuals affected with GUF1-related conditions. ClinVar contains an entry for this variant (Variation ID: 928580). In summary, the available evidence is currently insufficient to determine the role of this variant in disease. Therefore, it has been classified as a Variant of Uncertain Significance.

Blueprint Genetics
Classification: Uncertain significance. Last evaluated: 2024-11-26. Review status: criteria provided, single submitter. Criteria: ACMG Guidelines, 2015. Collection method: clinical testing. Allele origin: germline.

Women's Health and Genetics/Laboratory Corporation of America, LabCorp
Classification: Uncertain significance. Last evaluated: 2020-12-29. Review status: criteria provided, single submitter. Criteria: LabCorp Variant Classification Summary - May 2015. Collection method: clinical testing. Allele origin: germline.
Comment: Variant summary: GUF1 c.1390_1394delTCAAA (p.Lys465AsnfsX17) results in a premature termination codon, predicted to cause a truncation of the encoded protein or absence of the protein due to nonsense mediated decay. The variant allele was found at a frequency of 0.00012 in 249566 control chromosomes, predominantly at a frequency of 0.0011 within the East Asian subpopulation in the gnomAD database. To our knowledge, no occurrence of c.1390_1394delTCAAA in affected individuals, and no experimental evidence demonstrating its impact on protein function have been reported. Other predicted loss-of-function (pLoF) variants (e.g. c.734+1G>A, p.Glu468IlefsTer15) have been reported in homozygous state in healthy controls (gnomAD), suggesting that pLoF variants in GUF1 might not necessarily have pathogenic consequences (see also PMID 32487729); however the current evidence is not sufficient to clearly establish whether loss-of-function variants in GUF1 cause disease. No clinical diagnostic laboratories have submitted clinical-significance assessments for this variant to ClinVar after 2014. Based on the evidence outlined above, the variant was classified as uncertain significance, until additional information becomes available.